The following is an entry in ClinVar:

NM_022765.4(MICAL1):c.3163A>G (p.Arg1055Gly)

Gene: MICAL1 (microtubule associated monooxygenase, calponin and LIM domain containing 1; minus strand). Cytogenetic location: 6q21.
Variant type: single nucleotide variant.
Coding change: c.3163A>G on transcript NM_022765.4 (MANE Select); coding-DNA position 3163, A replaced by G.
Protein change: p.Arg1055Gly; replaces arginine 1055 with glycine.
Molecular consequence: missense variant.
Genome position (GRCh38, 1-based): chr6:109,444,232, T>C on the plus strand (A>G on the coding strand, the complement: MICAL1 is on the minus strand). VCF-style: chr6-109444232-T-C. GRCh37 (hg19) VCF-style: chr6-109765435-T-C.
Other names: c.2905A>G, p.Arg969Gly (NM_001159291.2); c.3220A>G, p.Arg1074Gly (NM_001286613.2); c.3163A>G (NM_022765.3); short protein forms R1055G, R1074G, R969G.
Identifiers: ClinVar variation 2957533 (VCV002957533.4), dbSNP rs1230451323, ClinGen allele CA365218863.
Genomic context (GRCh38, chr6:109,444,232, plus strand): 5'-GCAGACGGCCCACCCTCGTCTAGCCCTGGGCCCCTGTCCCCAAGGCCAGCTCGCTGAGCC[T>C]GCGCTCCTCCTGGAAGCGGATGAGGGCATCTCTCTGGTTGACCAAATCCACCAGCTTCCT-3'
Protein context (NP_073602.3, residues 1045-1065): DALIRFQEER[Arg1055Gly]LSELALGTGA

ClinVar aggregate classification (germline): Uncertain significance. Review status: criteria provided, multiple submitters, no conflicts (2 of 4 stars). 2 submissions from 2 submitters: Uncertain significance (2). Last evaluated 2025-08-01.

Allele frequency attached by ClinVar (database versions not stated): TOPMed 0.00001; gnomAD exomes 0.00002.
gnomAD v4.1: 25 of 1,613,652 alleles (0.0015%); highest among the groups gnomAD compares: South Asian, 0.0044%; 1 homozygote.

Submissions (2):

Ambry Genetics
Classification: Uncertain significance. Last evaluated: 2025-08-01. Review status: criteria provided, single submitter. Criteria: Ambry Variant Classification Scheme 2023. Collection method: clinical testing. Allele origin: germline.

Labcorp Genetics (formerly Invitae), Labcorp
Classification: Uncertain significance. Last evaluated: 2025-02-24. Review status: criteria provided, single submitter. Criteria: Invitae Variant Classification Sherloc (09022015). Collection method: clinical testing. Allele origin: germline.
Comment: This sequence change replaces arginine, which is basic and polar, with glycine, which is neutral and non-polar, at codon 1074 of the MICAL1 protein (p.Arg1074Gly). This variant is present in population databases (no rsID available, gnomAD 0.003%). This variant has not been reported in the literature in individuals affected with MICAL1-related conditions. ClinVar contains an entry for this variant (Variation ID: 2957533). An algorithm developed to predict the effect of missense changes on protein structure and function (PolyPhen-2) suggests that this variant is likely to be disruptive. In summary, the available evidence is currently insufficient to determine the role of this variant in disease. Therefore, it has been classified as a Variant of Uncertain Significance.